The following is an entry in ClinVar:

ClinVar aggregate classification (germline): Uncertain significance (1 of 4 stars; one submission).

Conditions:
Cardiovascular phenotype. Identifiers: MedGen CN230736.

gnomAD v4.1: 1 of 1,613,412 alleles (0.000062%); no homozygotes.

Submission:

Ambry Genetics
Classification: Uncertain significance for Cardiovascular phenotype. Last evaluated: 2026-09-09. Review status: criteria provided, single submitter. Criteria: Ambry Variant Classification Scheme 2023. Collection method: clinical testing. Allele origin: germline.
Comment: The p.D451G variant (also known as c.1352A>G), located in coding exon 11 of the PTPN11 gene, results from an A to G substitution at nucleotide position 1352. The aspartic acid at codon 451 is replaced by glycine, an amino acid with similar properties. This amino acid position is conserved. In addition, the in silico prediction for this alteration is inconclusive. Based on the available evidence, the clinical significance of this variant remains unclear.

NM_002834.5(PTPN11):c.1352A>G (p.Asp451Gly)

Gene: PTPN11 (protein tyrosine phosphatase non-receptor type 11; plus strand). Cytogenetic location: 12q24.13.
Variant type: single nucleotide variant.
Coding change: c.1352A>G on transcript NM_002834.5 (MANE Select); coding-DNA position 1352, A replaced by G.
Protein change: p.Asp451Gly; replaces aspartic acid 451 with glycine.
Molecular consequence: missense variant.
Genome position (GRCh38, 1-based): chr12:112,486,602, A>G. VCF-style: chr12-112486602-A-G. GRCh37 (hg19) VCF-style: chr12-112924406-A-G.
Other names: c.1364A>G, p.Asp455Gly (NM_001330437.2); c.1349A>G, p.Asp450Gly (NM_001374625.1); c.1352A>G, p.Asp451Gly (NM_080601.3); short protein forms D450G, D451G, D455G.
Identifiers: ClinVar variation 5027648 (VCV005027648.1).